The following is an entry in ClinVar:

ClinVar aggregate classification (germline): Uncertain significance (1 of 4 stars; one submission).

Allele frequency attached by ClinVar (database versions not stated): TOPMed 0.00001.
gnomAD v4.1: 2 of 1,612,440 alleles (0.00012%); highest among the groups gnomAD compares: East Asian, 0.0022%; no homozygotes.

Submission:

Labcorp Genetics (formerly Invitae), Labcorp
Classification: Uncertain significance. Last evaluated: 2023-12-11. Review status: criteria provided, single submitter. Criteria: Invitae Variant Classification Sherloc (09022015). Collection method: clinical testing. Allele origin: germline.
Comment: This sequence change replaces glutamine, which is neutral and polar, with arginine, which is basic and polar, at codon 1172 of the RIMS1 protein (p.Gln1172Arg). This variant is present in population databases (no rsID available, gnomAD 0.003%). This variant has not been reported in the literature in individuals affected with RIMS1-related conditions. ClinVar contains an entry for this variant (Variation ID: 1372624). An algorithm developed to predict the effect of missense changes on protein structure and function (PolyPhen-2) suggests that this variant is likely to be tolerated. In summary, the available evidence is currently insufficient to determine the role of this variant in disease. Therefore, it has been classified as a Variant of Uncertain Significance.

NM_014989.7(RIMS1):c.3515A>G (p.Gln1172Arg)

Gene: RIMS1 (regulating synaptic membrane exocytosis 1; plus strand). Cytogenetic location: 6q13.
Variant type: single nucleotide variant.
Coding change: c.3515A>G on transcript NM_014989.7 (MANE Select); coding-DNA position 3515, A replaced by G.
Protein change: p.Gln1172Arg; replaces glutamine 1172 with arginine.
Molecular consequence: missense variant. On other transcripts: intron variant (33).
Genome position (GRCh38, 1-based): chr6:72,284,079, A>G. VCF-style: chr6-72284079-A-G. GRCh37 (hg19) VCF-style: chr6-72993782-A-G.
Other names: c.1598A>G, p.Gln533Arg (NM_001350457.2); c.1508A>G, p.Gln503Arg (NM_001350460.2, NM_001350426.2); c.1415A>G, p.Gln472Arg (NM_001350461.2); c.1265A>G, p.Gln422Arg (NM_001350467.2); c.1418A>G, p.Gln473Arg (NM_001350469.2, NM_001168409.2); c.1499A>G, p.Gln500Arg (NM_001350471.2); c.1560-7855A>G (NM_001350459.2, NM_001350424.2); c.1641-7855A>G (NM_001350437.2); and 30 more; short protein forms Q524R, Q539R, Q554R, Q1172R, Q523R, Q530R, Q553R, Q579R.
Identifiers: ClinVar variation 1372624 (VCV001372624.6), dbSNP rs772247587, ClinGen allele CA364688592.